The following is an entry in ClinVar:

NM_015981.4(CAMK2A):c.329C>T (p.Ala110Val)

Gene: CAMK2A (calcium/calmodulin dependent protein kinase II alpha; minus strand). Cytogenetic location: 5q32.
Variant type: single nucleotide variant.
Coding change: c.329C>T on transcript NM_015981.4 (MANE Select); coding-DNA position 329, C replaced by T.
Protein change: p.Ala110Val; replaces alanine 110 with valine.
Molecular consequence: missense variant.
Genome position (GRCh38, 1-based): chr5:150,256,775, G>A on the plus strand (C>T on the coding strand, the complement: CAMK2A is on the minus strand). VCF-style: chr5-150256775-G-A. GRCh37 (hg19) VCF-style: chr5-149636338-G-A.
Other names: c.329C>T, p.Ala110Val (NM_001363989.1, NM_001363990.1, NM_001369025.2 and 1 more transcripts); short protein forms A110V.
Identifiers: ClinVar variation 975359 (VCV000975359.4), dbSNP rs779607303, ClinGen allele CA3509897.

ClinVar aggregate classification (germline): Uncertain significance. Review status: criteria provided, single submitter (1 of 4 stars). 2 submissions from 2 submitters: Uncertain significance (1). 1 of the submissions does not count toward it. Last evaluated 2023-06-02.

Conditions:
Intellectual developmental disorder, autosomal dominant 53. Also called: MENTAL RETARDATION, AUTOSOMAL DOMINANT 53; Intellectual disability, autosomal dominant 53. Identifiers: MedGen C4540481, MONDO:0030919, OMIM 617798.

Allele frequency attached by ClinVar (database versions not stated): gnomAD exomes below 0.00001; ExAC 0.00001.

Submissions (2):

Neuberg Centre For Genomic Medicine, NCGM
Classification: Uncertain significance for Intellectual developmental disorder, autosomal dominant 53. Last evaluated: 2023-06-02. Review status: criteria provided, single submitter. Criteria: ACMG Guidelines, 2015. Collection method: clinical testing. Allele origin: germline. Inheritance: Autosomal dominant inheritance. Affected: yes.
Comment: The observed missense c.329C>T(p.Ala110Val) variant in CAMK2A gene has been reported in individual(s) affected with CAMK2A related disorder (Chia PH, et. al., 2018). This variant is present with an allele frequency of 0.0004% in gnomAD Exomes database. This variant has been reported to the ClinVar database as Likely pathogenic. Multiple lines of computational evidence (Polyphen - probably damaging, SIFT - damaging and MutationTaster - disease causing) predict a damaging effect on protein structure and function for this variant. The reference amino acid in CAMK2A is predicted as conserved by GERP++ and PhyloP across 100 vertebrates. The amino acid Ala at position 110 is changed to a Val changing protein sequence and it might alter its composition and physico-chemical properties. For these reasons, this variant has been classified as Uncertain Significance (VUS).

Centre de Biologie Pathologie Génétique, Centre Hospitalier Universitaire de Lille
Classification: Likely pathogenic for Intellectual disability, autosomal dominant 53. Last evaluated: 2019-01-01. Review status: no assertion criteria provided. Collection method: clinical testing. Allele origin: unknown. Affected: yes. Not counted in ClinVar's aggregate classification.